The following is an entry in ClinVar:

ClinVar aggregate classification (germline): Likely benign (1 of 4 stars; one submission).

Submission:

CeGaT Center for Human Genetics Tuebingen
Classification: Likely benign. Last evaluated: 2026-06-01. Review status: criteria provided, single submitter. Criteria: CeGaT Center For Human Genetics Tuebingen Variant Classification Criteria Version 2. Collection method: clinical testing. Allele origin: germline. Affected: yes. Observed: 1 variant allele.
Comment: GLI2: BP4, BS1

NM_001374353.1(GLI2):c.3670A>C (p.Met1224Leu)

Gene: GLI2 (GLI family zinc finger 2; plus strand). Cytogenetic location: 2q14.2.
Variant type: single nucleotide variant.
Coding change: c.3670A>C on transcript NM_001374353.1 (MANE Select); coding-DNA position 3670, A replaced by C.
Protein change: p.Met1224Leu; replaces methionine 1224 with leucine.
Molecular consequence: missense variant.
Genome position (GRCh38, 1-based): chr2:120,989,635, A>C. VCF-style: chr2-120989635-A-C. GRCh37 (hg19) VCF-style: chr2-121747211-A-C.
Other names: c.3721A>C, p.Met1241Leu (NM_001371271.1, NM_005270.5); c.3295A>C, p.Met1099Leu (NM_001374354.1); short protein forms M1099L, M1224L, M1241L.
Identifiers: ClinVar variation 4872575 (VCV004872575.2).